The following is an entry in ClinVar:

ClinVar aggregate classification (germline): Uncertain significance (1 of 4 stars; one submission).

Conditions:
Congenital myotonia, autosomal recessive form. Also called: BECKER DISEASE; Becker Generalized Myotonia; myotonia congenita, autosomal recessive. Identifiers: Orphanet 614, MedGen C0751360, MONDO:0009715, OMIM 255700.
Congenital myotonia, autosomal dominant form (THD). Also called: THOMSEN DISEASE; Myotonia congenita autosomal dominant. Identifiers: Orphanet 614, MedGen C2936781, MONDO:0008055, OMIM 160800.

Allele frequency attached by ClinVar (database versions not stated): gnomAD 0.00002.
gnomAD v4.1: 23 of 1,613,198 alleles (0.0014%); highest among the groups gnomAD compares: South Asian, 0.011%; no homozygotes.

Submission:

Labcorp Genetics (formerly Invitae), Labcorp
Classification: Uncertain significance for Congenital myotonia, autosomal recessive form; Congenital myotonia, autosomal dominant form. Last evaluated: 2025-12-13. Review status: criteria provided, single submitter. Criteria: Invitae Variant Classification Sherloc (09022015). Collection method: clinical testing. Allele origin: germline.
Comment: This sequence change replaces arginine, which is basic and polar, with histidine, which is basic and polar, at codon 390 of the CLCN1 protein (p.Arg390His). This variant is present in population databases (rs770282110, gnomAD 0.01%). This variant has not been reported in the literature in individuals affected with CLCN1-related conditions. ClinVar contains an entry for this variant (Variation ID: 2146112). An algorithm developed to predict the effect of missense changes on protein structure and function (PolyPhen-2) suggests that this variant is likely to be tolerated. In summary, the available evidence is currently insufficient to determine the role of this variant in disease. Therefore, it has been classified as a Variant of Uncertain Significance.

NM_000083.3(CLCN1):c.1169G>A (p.Arg390His)

Gene: CLCN1 (chloride voltage-gated channel 1; plus strand). Cytogenetic location: 7q34.
Variant type: single nucleotide variant.
Coding change: c.1169G>A on transcript NM_000083.3 (MANE Select); coding-DNA position 1169, G replaced by A.
Protein change: p.Arg390His; replaces arginine 390 with histidine.
Molecular consequence: missense variant. On other transcripts: non-coding transcript variant (1).
Genome position (GRCh38, 1-based): chr7:143,332,421, G>A. VCF-style: chr7-143332421-G-A. GRCh37 (hg19) VCF-style: chr7-143029514-G-A.
Other names: short protein forms R390H.
Identifiers: ClinVar variation 2146112 (VCV002146112.3), dbSNP rs770282110, ClinGen allele CA4537273.